The following is an entry in ClinVar:

NM_006767.4(LZTR1):c.1723G>T (p.Asp575Tyr)

Gene: LZTR1 (leucine zipper like post translational regulator 1; plus strand). Cytogenetic location: 22q11.21.
Variant type: single nucleotide variant.
Coding change: c.1723G>T on transcript NM_006767.4 (MANE Select); coding-DNA position 1723, G replaced by T.
Protein change: p.Asp575Tyr; replaces aspartic acid 575 with tyrosine.
Molecular consequence: missense variant.
Genome position (GRCh38, 1-based): chr22:20,994,665, G>T. VCF-style: chr22-20994665-G-T. GRCh37 (hg19) VCF-style: chr22-21348954-G-T.
Other names: short protein forms D575Y.
Identifiers: ClinVar variation 1778817 (VCV001778817.3), dbSNP rs139368531, ClinGen allele CA410778076.

ClinVar aggregate classification (germline): Uncertain significance. Review status: criteria provided, multiple submitters, no conflicts (2 of 4 stars). 2 submissions from 2 submitters: Uncertain significance (2). Last evaluated 2025-07-22.

Conditions:
Cardiovascular phenotype. Identifiers: MedGen CN230736.
Hereditary cancer-predisposing syndrome. Also called: Neoplastic Syndromes, Hereditary; Tumor predisposition; Hereditary Cancer Syndrome; Hereditary neoplastic syndrome. Identifiers: Orphanet 140162, MedGen C0027672, MeSH D009386, MONDO:0015356.

Submissions (2):

Labcorp Genetics (formerly Invitae), Labcorp
Classification: Uncertain significance. Last evaluated: 2025-07-22. Review status: criteria provided, single submitter. Criteria: Invitae Variant Classification Sherloc (09022015). Collection method: clinical testing. Allele origin: germline.
Comment: This sequence change replaces aspartic acid, which is acidic and polar, with tyrosine, which is neutral and polar, at codon 575 of the LZTR1 protein (p.Asp575Tyr). This variant is not present in population databases (gnomAD no frequency). This variant has not been reported in the literature in individuals affected with LZTR1-related conditions. ClinVar contains an entry for this variant (Variation ID: 1778817). Invitae Evidence Modeling of protein sequence and biophysical properties (such as structural, functional, and spatial information, amino acid conservation, physicochemical variation, residue mobility, and thermodynamic stability) indicates that this missense variant is not expected to disrupt LZTR1 protein function with a negative predictive value of 80%. In summary, the available evidence is currently insufficient to determine the role of this variant in disease. Therefore, it has been classified as a Variant of Uncertain Significance.

Ambry Genetics
Classification: Uncertain significance for Cardiovascular phenotype; Hereditary cancer-predisposing syndrome. Last evaluated: 2022-09-12. Review status: criteria provided, single submitter. Criteria: Ambry Variant Classification Scheme 2023. Collection method: clinical testing. Allele origin: germline.
Comment: The p.D575Y variant (also known as c.1723G>T), located in coding exon 15 of the LZTR1 gene, results from a G to T substitution at nucleotide position 1723. The aspartic acid at codon 575 is replaced by tyrosine, an amino acid with highly dissimilar properties. This amino acid position is conserved. In addition, this alteration is predicted to be deleterious by in silico analysis. Since supporting evidence is limited at this time, the clinical significance of this alteration remains unclear.